The following is an entry in ClinVar:

ClinVar aggregate classification (germline): Uncertain significance (1 of 4 stars; one submission).

Conditions:
CPLANE1-related disorder. Also called: CPLANE1-related condition.

gnomAD v4.1: 1 of 1,613,592 alleles (0.000062%); highest among the groups gnomAD compares: Non-Finnish European, 0.000085%; no homozygotes.

Submission:

PreventionGenetics, part of Exact Sciences
Classification: Uncertain significance for CPLANE1-related condition. Last evaluated: 2025-07-12. Review status: criteria provided, single submitter. Criteria: ACMG Guidelines, 2015. Collection method: clinical testing. Allele origin: germline.
Comment: The CPLANE1 c.5435G>T variant is predicted to result in the amino acid substitution p.Arg1812Leu. To our knowledge, this variant has not been reported in the literature. This variant is absent in a large population database (gnomAD), indicating this variant is rare. At this time, the clinical significance of this variant is uncertain due to the absence of conclusive functional and genetic evidence.

NM_001384732.1(CPLANE1):c.5435G>T (p.Arg1812Leu)

Gene: CPLANE1 (ciliogenesis and planar polarity effector complex subunit 1; minus strand). Cytogenetic location: 5p13.2.
Variant type: single nucleotide variant.
Coding change: c.5435G>T on transcript NM_001384732.1 (MANE Select); coding-DNA position 5435, G replaced by T.
Protein change: p.Arg1812Leu; replaces arginine 1812 with leucine.
Molecular consequence: missense variant.
Genome position (GRCh38, 1-based): chr5:37,180,992, C>A on the plus strand (G>T on the coding strand, the complement: CPLANE1 is on the minus strand). VCF-style: chr5-37180992-C-A. GRCh37 (hg19) VCF-style: chr5-37181094-C-A.
Other names: c.5435G>T, p.Arg1812Leu (NM_023073.4); short protein forms R1812L.
Identifiers: ClinVar variation 4997914 (VCV004997914.1).